The following is an entry in ClinVar:

NM_001360.3(DHCR7):c.321+1G>A

Gene: DHCR7 (7-dehydrocholesterol reductase; minus strand). Cytogenetic location: 11q13.4.
Variant type: single nucleotide variant.
Coding change: c.321+1G>A on transcript NM_001360.3 (MANE Select); the canonical splice donor site of the intron after coding-DNA position 321, G replaced by A.
Molecular consequence: splice donor variant. On other transcripts: missense variant (2).
Genome position (GRCh38, 1-based): chr11:71,443,992, C>T on the plus strand (G>A on the coding strand, the complement: DHCR7 is on the minus strand). VCF-style: chr11-71443992-C-T. GRCh37 (hg19) VCF-style: chr11-71155038-C-T.
Other names: c.322G>A, p.Val108Ile (NM_001425108.1); c.226G>A, p.Val76Ile (NM_001425113.1); c.321+1G>A (NM_001425120.1, NM_001425109.1, NM_001163817.2 and 7 more transcripts); c.225+1G>A (NM_001425114.1, NM_001425116.1); c.147+1G>A (NM_001425117.1); short protein forms V108I, V76I.
Identifiers: ClinVar variation 4814822 (VCV004814822.3).

ClinVar aggregate classification (germline): Likely pathogenic. Review status: criteria provided, multiple submitters, no conflicts (2 of 4 stars). 2 submissions from 2 submitters: Likely pathogenic (2). Last evaluated 2024-07-25.

Conditions:
Smith-Lemli-Opitz syndrome (SLOS). Also called: POLYDACTYLY, SEX REVERSAL, RENAL HYPOPLASIA, AND UNILOBAR LUNG; RSH SYNDROME; RUTLEDGE LETHAL MULTIPLE CONGENITAL ANOMALY SYNDROME; 7-Dehydrocholesterol reductase deficiency; LETHAL ACRODYSGENITAL SYNDROME. Identifiers: Orphanet 818, MedGen C0175694, MONDO:0010035, OMIM 270400.

Submissions (2):

Natera, Inc.
Classification: Likely pathogenic for Smith-Lemli-Opitz syndrome. Last evaluated: 2024-07-25. Review status: criteria provided, single submitter. Criteria: Natera Variant Classification Schema (03/2026). Collection method: clinical testing. Allele origin: germline.
Comment: The c.321+1G>A variant in DHCR7 is a canonical splice donor site variant predicted to affect pre-mRNA splicing, which may result in an abnormal transcript and altered protein product. This variant is expected to result in nonsense mediated decay, truncation, or a dysfunctional protein product. This variant is rare in the general population with a frequency below the threshold expected for the associated phenotype(s). Given the available evidence, this variant is classified as Likely Pathogenic.

Juno Genomics, Hangzhou Juno Genomics, Inc
Classification: Likely pathogenic for Smith-Lemli-Opitz syndrome. Review status: criteria provided, single submitter. Criteria: ACMG Guidelines, 2015. Collection method: clinical testing. Allele origin: germline.
Comment: Null variant in a gene where loss of function (LOF) is a known mechanism of disease.;Absent from controls (or at extremely low frequency if recessive) in Genome Aggregation Database.